The following is an entry in ClinVar:

ClinVar aggregate classification (germline): Uncertain significance (1 of 4 stars; one submission).

Conditions:
Congenital myasthenic syndrome 10. Also called: Myasthenia, limb-girdle, familial. Identifiers: Orphanet 590, MedGen C1850792, MONDO:0009690, OMIM 254300.
Fetal akinesia deformation sequence 1 (FADS1). Also called: Pena-Shokeir syndrome type I; Fetal akinesia sequence. Identifiers: Orphanet 994, MedGen C1276035, MONDO:0100101, OMIM 208150, HP:0001989.

Allele frequency attached by ClinVar (database versions not stated): TOPMed below 0.00001.
gnomAD v4.1: 27 of 1,611,038 alleles (0.0017%); highest among the groups gnomAD compares: Non-Finnish European, 0.002%; no homozygotes.

Submission:

Labcorp Genetics (formerly Invitae), Labcorp
Classification: Uncertain significance for Congenital myasthenic syndrome 10; Fetal akinesia deformation sequence 1. Last evaluated: 2021-02-12. Review status: criteria provided, single submitter. Criteria: Invitae Variant Classification Sherloc (09022015). Collection method: clinical testing. Allele origin: germline.
Comment: In summary, the available evidence is currently insufficient to determine the role of this variant in disease. Therefore, it has been classified as a Variant of Uncertain Significance. Algorithms developed to predict the effect of missense changes on protein structure and function are either unavailable or do not agree on the potential impact of this missense change (SIFT: "Deleterious"; PolyPhen-2: "Probably Damaging"; Align-GVGD: "Class C0"). This variant has not been reported in the literature in individuals with DOK7-related conditions. This variant is not present in population databases (ExAC no frequency). This sequence change replaces glycine with arginine at codon 497 of the DOK7 protein (p.Gly497Arg). The glycine residue is moderately conserved and there is a moderate physicochemical difference between glycine and arginine.

NM_173660.5(DOK7):c.1489G>C (p.Gly497Arg)

Gene: DOK7 (docking protein 7; plus strand). Cytogenetic location: 4p16.3.
Variant type: single nucleotide variant.
Coding change: c.1489G>C on transcript NM_173660.5 (MANE Select); coding-DNA position 1489, G replaced by C.
Protein change: p.Gly497Arg; replaces glycine 497 with arginine.
Molecular consequence: missense variant. On other transcripts: 3 prime UTR variant (1).
Genome position (GRCh38, 1-based): chr4:3,493,475, G>C. VCF-style: chr4-3493475-G-C. GRCh37 (hg19) VCF-style: chr4-3495202-G-C.
Other names: c.*710G>C (NM_001164673.2); c.559G>C, p.Gly187Arg (NM_001256896.2); c.1489G>C, p.Gly497Arg (NM_001301071.2); c.1057G>C, p.Gly353Arg (NM_001363811.2); short protein forms G497R, G187R, G353R.
Identifiers: ClinVar variation 1408763 (VCV001408763.7), dbSNP rs751223916, ClinGen allele CA356118052.